The following is an entry in ClinVar:

NM_001003800.2(BICD2):c.404C>T (p.Thr135Met)

Gene: BICD2 (BICD cargo adaptor 2; minus strand). Cytogenetic location: 9q22.31.
Variant type: single nucleotide variant.
Coding change: c.404C>T on transcript NM_001003800.2 (MANE Select); coding-DNA position 404, C replaced by T.
Protein change: p.Thr135Met; replaces threonine 135 with methionine.
Molecular consequence: missense variant.
Genome position (GRCh38, 1-based): chr9:92,729,073, G>A on the plus strand (C>T on the coding strand, the complement: BICD2 is on the minus strand). VCF-style: chr9-92729073-G-A. GRCh37 (hg19) VCF-style: chr9-95491355-G-A.
Other names: c.404C>T, p.Thr135Met (NM_015250.4); short protein forms T135M.
Identifiers: ClinVar variation 958112 (VCV000958112.12), dbSNP rs758588310, ClinGen allele CA5126828.
Genomic context (GRCh38, chr9:92,729,073, plus strand): 5'-CACCCCCTCACCTCCTTCAGCTCCTGGGCCACAGAGGCCAGGCGCTCATTCTCCGACTGC[G>A]TGTTGGTGAGGACATTGCGCAACTGCTTCAGCTCCGTCTGCAGCTCTAGCACCTTCCGCA-3'
Protein context (NP_001003800.1, residues 125-145): LKQLRNVLTN[Thr135Met]QSENERLASV

ClinVar aggregate classification (germline): Conflicting classifications of pathogenicity. Review status: criteria provided, conflicting classifications (1 of 4 stars). 2 submissions from 2 submitters: Uncertain significance (1); Likely benign (1). Last evaluated 2023-08-30.

Conditions:
Inborn genetic diseases. Identifiers: MedGen C0950123, MeSH D030342.
Autosomal dominant childhood-onset proximal spinal muscular atrophy with contractures (SMALED2A). Also called: SPINAL MUSCULAR ATROPHY, LOWER EXTREMITY-PREDOMINANT, 2A, CHILDHOOD ONSET, AUTOSOMAL DOMINANT; Spinal muscular atrophy, lower extremity-predominant, 2A, autosomal dominant. Identifiers: Orphanet 363447, Orphanet 363454, MedGen C4747715, MONDO:0014121, OMIM 615290.

Allele frequency attached by ClinVar (database versions not stated): gnomAD 0.00001; TOPMed 0.00001; gnomAD exomes 0.00004; ExAC 0.00005.
gnomAD v4.1: 23 of 1,614,254 alleles (0.0014%); highest among the groups gnomAD compares: South Asian, 0.02%; no homozygotes.

Submissions (2):

Labcorp Genetics (formerly Invitae), Labcorp
Classification: Uncertain significance for Autosomal dominant childhood-onset proximal spinal muscular atrophy with contractures. Last evaluated: 2023-08-30. Review status: criteria provided, single submitter. Criteria: Invitae Variant Classification Sherloc (09022015). Collection method: clinical testing. Allele origin: germline.
Comment: This sequence change replaces threonine, which is neutral and polar, with methionine, which is neutral and non-polar, at codon 135 of the BICD2 protein (p.Thr135Met). In summary, the available evidence is currently insufficient to determine the role of this variant in disease. Therefore, it has been classified as a Variant of Uncertain Significance. Advanced modeling of protein sequence and biophysical properties (such as structural, functional, and spatial information, amino acid conservation, physicochemical variation, residue mobility, and thermodynamic stability) performed at Invitae indicates that this missense variant is not expected to disrupt BICD2 protein function. ClinVar contains an entry for this variant (Variation ID: 958112). This variant has not been reported in the literature in individuals affected with BICD2-related conditions. This variant is present in population databases (rs758588310, gnomAD 0.03%).

Ambry Genetics
Classification: Likely benign for Inborn genetic diseases. Last evaluated: 2021-07-11. Review status: criteria provided, single submitter. Criteria: Ambry Variant Classification Scheme 2023. Collection method: clinical testing. Allele origin: germline.